The following is an entry in ClinVar:

NM_018706.7(DHTKD1):c.2429G>A (p.Gly810Asp)

Gene: DHTKD1 (dehydrogenase E1 and transketolase domain containing 1; plus strand). Cytogenetic location: 10p14.
Variant type: single nucleotide variant.
Coding change: c.2429G>A on transcript NM_018706.7 (MANE Select); coding-DNA position 2429, G replaced by A.
Protein change: p.Gly810Asp; replaces glycine 810 with aspartic acid.
Molecular consequence: missense variant.
Genome position (GRCh38, 1-based): chr10:12,118,775, G>A. VCF-style: chr10-12118775-G-A. GRCh37 (hg19) VCF-style: chr10-12160774-G-A.
Other names: c.2429G>A (NM_018706.5); short protein forms G810D.
Identifiers: ClinVar variation 1450344 (VCV001450344.9), dbSNP rs781524340, ClinGen allele CA5408271.
Genomic context (GRCh38, chr10:12,118,775, plus strand): 5'-TCCCCCACCCTATTGTTCCTTTTCTGTCCAACAGGGTTAAGACCCTCGTGTTCTGCTCCG[G>A]CAAACATTTCTACTCCCTGGTGAAACAAAGAGAATCTCTGGGGGCCAAGAAGCATGACTT-3'
Protein context (NP_061176.4, residues 800-820): KKVKTLVFCS[Gly810Asp]KHFYSLVKQR

ClinVar aggregate classification (germline): Uncertain significance. Review status: criteria provided, multiple submitters, no conflicts (2 of 4 stars). 2 submissions from 2 submitters: Uncertain significance (2). Last evaluated 2024-04-29.

Conditions:
Inborn genetic diseases. Identifiers: MedGen C0950123, MeSH D030342.
2-aminoadipic 2-oxoadipic aciduria (AAKAD). Also called: ALPHA-AMINOADIPIC AND ALPHA-KETOADIPIC ACIDURIA; Aminoadipic aciduria. Identifiers: Orphanet 79154, MedGen C1859817, MONDO:0008774, OMIM 204750.

Allele frequency attached by ClinVar (database versions not stated): gnomAD 0.00001 and 0.00002; gnomAD exomes 0.00001 and 0.00002; ExAC 0.00003.
gnomAD v4.1: 37 of 1,592,042 alleles (0.0023%); highest among the groups gnomAD compares: Non-Finnish European, 0.003%; no homozygotes.

Submissions (2):

Labcorp Genetics (formerly Invitae), Labcorp
Classification: Uncertain significance for 2-aminoadipic 2-oxoadipic aciduria. Last evaluated: 2024-04-29. Review status: criteria provided, single submitter. Criteria: Invitae Variant Classification Sherloc (09022015). Collection method: clinical testing. Allele origin: germline.
Comment: This sequence change replaces glycine, which is neutral and non-polar, with aspartic acid, which is acidic and polar, at codon 810 of the DHTKD1 protein (p.Gly810Asp). This variant is present in population databases (rs781524340, gnomAD 0.003%). This variant has not been reported in the literature in individuals affected with DHTKD1-related conditions. ClinVar contains an entry for this variant (Variation ID: 1450344). Advanced modeling of protein sequence and biophysical properties (such as structural, functional, and spatial information, amino acid conservation, physicochemical variation, residue mobility, and thermodynamic stability) performed at Invitae indicates that this missense variant is expected to disrupt DHTKD1 protein function with a positive predictive value of 80%. In summary, the available evidence is currently insufficient to determine the role of this variant in disease. Therefore, it has been classified as a Variant of Uncertain Significance.

Ambry Genetics
Classification: Uncertain significance for Inborn genetic diseases. Last evaluated: 2021-02-24. Review status: criteria provided, single submitter. Criteria: Ambry Variant Classification Scheme 2023. Collection method: clinical testing. Allele origin: germline.